The following is an entry in ClinVar:

NM_000136.3(FANCC):c.656T>A (p.Phe219Tyr)

Genes: FANCC (FA complementation group C; minus strand), AOPEP (aminopeptidase O (putative); plus strand). Cytogenetic location: 9q22.32.
Variant type: single nucleotide variant.
Coding change: c.656T>A on transcript NM_000136.3 (MANE Select); coding-DNA position 656, T replaced by A.
Protein change: p.Phe219Tyr; replaces phenylalanine 219 with tyrosine.
Molecular consequence: missense variant.
Genome position (GRCh38, 1-based): chr9:95,149,953, A>T on the plus strand (T>A on the coding strand, the complement: FANCC is on the minus strand). VCF-style: chr9-95149953-A-T. GRCh37 (hg19) VCF-style: chr9-97912235-A-T.
Other names: c.656T>A, p.Phe219Tyr (NM_001243743.2, NM_001243744.2); short protein forms F219Y.
Identifiers: ClinVar variation 826489 (VCV000826489.8), dbSNP rs1588181383, ClinGen allele CA374109575.
Genomic context (GRCh38, chr9:95,149,953, plus strand): 5'-GCAGGATGACAGGAAACATTTGCCACTTACAGCAAAATGGCCTCGTTTACAGCCTCAAAG[A>T]ACTCTGGCTGGAGGATTTCCTGAGGTTCACGTCCATGACAGATGAGGAGAGCCTCCACCA-3'
Protein context (NP_000127.2, residues 209-229): REPQEILQPE[Phe219Tyr]FEAVNEAILL

ClinVar aggregate classification (germline): Uncertain significance. Review status: criteria provided, multiple submitters, no conflicts (2 of 4 stars). 3 submissions from 3 submitters: Uncertain significance (2). 1 of the submissions does not count toward it. Last evaluated 2023-03-16.

Conditions:
Fanconi anemia (FA). Also called: Fanconi's anemia. Identifiers: Orphanet 84, MedGen C0015625, MeSH D005199, MONDO:0019391.
Hereditary cancer-predisposing syndrome. Also called: Neoplastic Syndromes, Hereditary; Tumor predisposition; Hereditary neoplastic syndrome; Hereditary Cancer Syndrome. Identifiers: Orphanet 140162, MedGen C0027672, MeSH D009386, MONDO:0015356.

Allele frequency attached by ClinVar (database versions not stated): gnomAD 0.00001.
gnomAD v4.1: 1 of 1,610,638 alleles (0.000062%); highest among the groups gnomAD compares: African/African-American, 0.0013%; no homozygotes.

Submissions (3):

Labcorp Genetics (formerly Invitae), Labcorp
Classification: Uncertain significance for Fanconi anemia. Last evaluated: 2023-03-16. Review status: criteria provided, single submitter. Criteria: Invitae Variant Classification Sherloc (09022015). Collection method: clinical testing. Allele origin: germline.
Comment: In summary, the available evidence is currently insufficient to determine the role of this variant in disease. Therefore, it has been classified as a Variant of Uncertain Significance. Advanced modeling of protein sequence and biophysical properties (such as structural, functional, and spatial information, amino acid conservation, physicochemical variation, residue mobility, and thermodynamic stability) performed at Invitae indicates that this missense variant is expected to disrupt FANCC protein function. ClinVar contains an entry for this variant (Variation ID: 826489). This sequence change replaces phenylalanine, which is neutral and non-polar, with tyrosine, which is neutral and polar, at codon 219 of the FANCC protein (p.Phe219Tyr). This variant is not present in population databases (gnomAD no frequency). This variant has not been reported in the literature in individuals affected with FANCC-related conditions.

Ambry Genetics
Classification: Uncertain significance for Hereditary cancer-predisposing syndrome. Last evaluated: 2019-09-09. Review status: criteria provided, single submitter. Criteria: Ambry Variant Classification Scheme 2023. Collection method: clinical testing. Allele origin: germline.
Comment: The p.F219Y variant (also known as c.656T>A), located in coding exon 6 of the FANCC gene, results from a T to A substitution at nucleotide position 656. The phenylalanine at codon 219 is replaced by tyrosine, an amino acid with highly similar properties. This amino acid position is highly conserved in available vertebrate species. In addition, the in silico prediction for this alteration is inconclusive. Since supporting evidence is limited at this time, the clinical significance of this alteration remains unclear.

Natera, Inc.
Classification: Uncertain significance for Fanconi anemia. Last evaluated: 2018-09-12. Review status: no assertion criteria provided. Collection method: clinical testing. Allele origin: germline. Not counted in ClinVar's aggregate classification.